The following is an entry in ClinVar:

NM_000179.3(MSH6):c.1256A>G (p.Gln419Arg)

Gene: MSH6 (mutS homolog 6; plus strand). Cytogenetic location: 2p16.3.
Variant type: single nucleotide variant.
Coding change: c.1256A>G on transcript NM_000179.3 (MANE Select); coding-DNA position 1256, A replaced by G.
Protein change: p.Gln419Arg; replaces glutamine 419 with arginine.
Molecular consequence: missense variant. On other transcripts: non-coding transcript variant (4), intron variant (1).
Genome position (GRCh38, 1-based): chr2:47,799,239, A>G. VCF-style: chr2-47799239-A-G. GRCh37 (hg19) VCF-style: chr2-48026378-A-G.
Other names: c.866A>G, p.Gln289Arg (NM_001281492.2); c.350A>G, p.Gln117Arg (NM_001281493.2, NM_001281494.2, NM_001406811.1 and 6 more transcripts); c.1352A>G, p.Gln451Arg (NM_001406795.1, NM_001406802.1); c.1256A>G, p.Gln419Arg (NM_001406796.1, NM_001406798.1, NM_001406800.1 and 4 more transcripts); c.959A>G, p.Gln320Arg (NM_001406797.1, NM_001406801.1, NM_001406805.1 and 10 more transcripts); c.731A>G, p.Gln244Arg (NM_001406799.1, NM_001406806.1, NM_001406807.1); c.1178A>G, p.Gln393Arg (NM_001406804.1); c.1262A>G, p.Gln421Arg (NM_001406813.1); and 2 more; short protein forms Q419R, Q320R, Q363R, Q244R, Q393R, Q117R, Q289R, Q421R.
Identifiers: ClinVar variation 4656929 (VCV004656929.1).

ClinVar aggregate classification (germline): Uncertain significance (1 of 4 stars; one submission).

Conditions:
Hereditary cancer-predisposing syndrome. Also called: Neoplastic Syndromes, Hereditary; Tumor predisposition; Hereditary Cancer Syndrome; Hereditary neoplastic syndrome. Identifiers: Orphanet 140162, MedGen C0027672, MeSH D009386, MONDO:0015356.

Submission:

Ambry Genetics
Classification: Uncertain significance for Hereditary cancer-predisposing syndrome. Last evaluated: 2025-11-26. Review status: criteria provided, single submitter. Criteria: Ambry Variant Classification Scheme 2023. Collection method: clinical testing. Allele origin: germline.
Comment: The p.Q419R variant (also known as c.1256A>G), located in coding exon 4 of the MSH6 gene, results from an A to G substitution at nucleotide position 1256. The glutamine at codon 419 is replaced by arginine, an amino acid with highly similar properties. This amino acid position is well conserved in available vertebrate species. In addition, the in silico prediction for this alteration is inconclusive. Based on the available evidence, the clinical significance of this variant remains unclear.